The following is an entry in ClinVar:

ClinVar aggregate classification (germline): Likely benign. Review status: criteria provided, single submitter (1 of 4 stars). 2 submissions from 2 submitters: Likely benign (1). 1 of the submissions does not count toward it. Last evaluated 2022-04-02.

Conditions:
ECEL1-related disorder. Also called: ECEL1-related condition.

Allele frequency attached by ClinVar (database versions not stated): gnomAD exomes 0.00006 and 0.00014; ExAC 0.00015; 1000 Genomes Project 30x 0.00031; 1000 Genomes Project 0.00040; gnomAD 0.00047 and 0.00051; ESP Exome Variant Server 0.00054; TOPMed 0.00068.
gnomAD v4.1: 163 of 1,613,854 alleles (0.01%); highest among the groups gnomAD compares: African/African-American, 0.19%; 1 homozygote.

Submissions (2):

Labcorp Genetics (formerly Invitae), Labcorp
Classification: Likely benign. Last evaluated: 2022-04-02. Review status: criteria provided, single submitter. Criteria: Invitae Variant Classification Sherloc (09022015). Collection method: clinical testing. Allele origin: germline.

PreventionGenetics, part of Exact Sciences
Classification: Likely benign for ECEL1-related condition. Last evaluated: 2023-09-01. Review status: no assertion criteria provided. Collection method: clinical testing. Allele origin: germline. Not counted in ClinVar's aggregate classification.
Comment: This variant is classified as likely benign based on ACMG/AMP sequence variant interpretation guidelines (Richards et al. 2015 PMID: 25741868, with internal and published modifications).

NM_004826.4(ECEL1):c.1169G>A (p.Arg390His)

Gene: ECEL1 (endothelin converting enzyme like 1; minus strand). Cytogenetic location: 2q37.1.
Variant type: single nucleotide variant.
Coding change: c.1169G>A on transcript NM_004826.4 (MANE Select); coding-DNA position 1169, G replaced by A.
Protein change: p.Arg390His; replaces arginine 390 with histidine.
Molecular consequence: missense variant.
Genome position (GRCh38, 1-based): chr2:232,484,487, C>T on the plus strand (G>A on the coding strand, the complement: ECEL1 is on the minus strand). VCF-style: chr2-232484487-C-T. GRCh37 (hg19) VCF-style: chr2-233349197-C-T.
Other names: c.1169G>A, p.Arg390His (NM_001290787.2); c.1169G>A (NM_004826.3); short protein forms R390H.
Identifiers: ClinVar variation 1150732 (VCV001150732.10), dbSNP rs149225442, ClinGen allele CA2167386.